The following is an entry in ClinVar:

NM_002180.3(IGHMBP2):c.1235+997C>T

Gene: IGHMBP2 (immunoglobulin mu DNA binding protein 2; plus strand). Cytogenetic location: 11q13.3.
Variant type: single nucleotide variant.
Coding change: c.1235+997C>T on transcript NM_002180.3 (MANE Select); 997 bases into the intron after coding-DNA position 1235, C replaced by T.
Molecular consequence: intron variant.
Genome position (GRCh38, 1-based): chr11:68,930,354, C>T. VCF-style: chr11-68930354-C-T. GRCh37 (hg19) VCF-style: chr11-68697822-C-T.
Identifiers: ClinVar variation 4985103 (VCV004985103.1).
Genomic context (GRCh38, chr11:68,930,354, plus strand): 5'-CACTTCTCTGTTTCACTGTGGGTGTGTAGAAGCTATGAACTCGGAACTTTCGTTGTTTTC[C>T]GAGGACCGGAAGAAGATGTGCAAGAAATCCTGTCGAGTAGAATCTCATCACAGGGGCGTG-3'

ClinVar aggregate classification (germline): Likely benign (1 of 4 stars; one submission).

Conditions:
IGHMBP2-related disorder. Also called: IGHMBP2-related condition; IGHMBP2-related disorders.

gnomAD v4.1: 63 of 1,289,730 alleles (0.0049%); highest among the groups gnomAD compares: South Asian, 0.028%; no homozygotes.

Submission:

PreventionGenetics, part of Exact Sciences
Classification: Likely benign for IGHMBP2-related condition. Last evaluated: 2026-08-25. Review status: criteria provided, single submitter. Criteria: ACMG Guidelines, 2015. Collection method: clinical testing. Allele origin: germline.
Comment: This variant is classified as likely benign based on ACMG/AMP sequence variant interpretation guidelines (Richards et al. 2015 PMID: 25741868, with internal and published modifications).